The following is an entry in ClinVar:

NM_001367479.1(DNAH14):c.5837A>G (p.Lys1946Arg)

Gene: DNAH14 (dynein axonemal heavy chain 14; plus strand). Cytogenetic location: 1q42.12.
Variant type: single nucleotide variant.
Coding change: c.5837A>G on transcript NM_001367479.1 (MANE Select); coding-DNA position 5837, A replaced by G.
Protein change: p.Lys1946Arg; replaces lysine 1946 with arginine.
Molecular consequence: missense variant.
Genome position (GRCh38, 1-based): chr1:225,192,862, A>G. VCF-style: chr1-225192862-A-G. GRCh37 (hg19) VCF-style: chr1-225380564-A-G.
Other names: short protein forms K1946R.
Identifiers: ClinVar variation 2639949 (VCV002639949.24), dbSNP rs191528375, ClinGen allele CA1416163.
Genomic context (GRCh38, chr1:225,192,862, plus strand): 5'-ATGGATTATTATCAGCAACAATTCGAAGTTATGTATATTTTAACACACCAAAGAACACAA[A>G]GAAAGACATTGATCTCAGACTAAAGTCAAGAATCTCAGATTTATCCAATGTAAGTTTAGT-3'
Protein context (NP_001354408.1, residues 1936-1956): YVYFNTPKNT[Lys1946Arg]KDIDLRLKSR

ClinVar aggregate classification (germline): Benign (1 of 4 stars; one submission).

Allele frequency attached by ClinVar (database versions not stated): 1000 Genomes Project 0.00419; ExAC 0.00655; TOPMed 0.00716; gnomAD 0.00750; gnomAD exomes 0.01234.

Submission:

CeGaT Center for Human Genetics Tuebingen
Classification: Benign. Last evaluated: 2024-09-01. Review status: criteria provided, single submitter. Criteria: CeGaT Center For Human Genetics Tuebingen Variant Classification Criteria Version 2. Collection method: clinical testing. Allele origin: germline. Affected: yes. Observed: 3 variant alleles.
Comment: DNAH14: BP4, BS1, BS2